The following is an entry in ClinVar:

NM_004364.5(CEBPA):c.965A>G (p.Asp322Gly)

Gene: CEBPA (CCAAT enhancer binding protein alpha; minus strand). Cytogenetic location: 19q13.11.
Variant type: single nucleotide variant.
Coding change: c.965A>G on transcript NM_004364.5 (MANE Select); coding-DNA position 965, A replaced by G.
Protein change: p.Asp322Gly; replaces aspartic acid 322 with glycine.
Molecular consequence: missense variant.
Genome position (GRCh38, 1-based): chr19:33,301,450, T>C on the plus strand (A>G on the coding strand, the complement: CEBPA is on the minus strand). VCF-style: chr19-33301450-T-C. GRCh37 (hg19) VCF-style: chr19-33792356-T-C.
Other names: c.608A>G, p.Asp203Gly (NM_001285829.2); c.1070A>G, p.Asp357Gly (NM_001287424.2); c.923A>G, p.Asp308Gly (NM_001287435.2); short protein forms D357G, D203G, D308G, D322G.
Identifiers: ClinVar variation 5034294 (VCV005034294.1).
Genomic context (GRCh38, chr19:33,301,450, plus strand): 5'-AAGATGCCCCGCAGCGTGTCCAGTTCGCGGCTCAGCTGTTCCACCCGCTTGCGCAGGCGG[T>C]CATTGTCACTGGTCAGCTCCAGCACCTTCTGCTGCGTCTCCACGTTGCGCTGCTTGGCCT-3'
Protein context (NP_004355.2, residues 312-332): QKVLELTSDN[Asp322Gly]RLRKRVEQLS

ClinVar aggregate classification (germline): Uncertain significance (1 of 4 stars; one submission).

Conditions:
Inborn genetic diseases. Identifiers: MedGen C0950123, MeSH D030342.

Submission:

Ambry Genetics
Classification: Uncertain significance for Inborn genetic diseases. Last evaluated: 2026-07-07. Review status: criteria provided, single submitter. Criteria: Ambry Variant Classification Scheme 2023. Collection method: clinical testing. Allele origin: germline.
Comment: The p.D322G variant (also known as c.965A>G), located in coding exon 1 of the CEBPA gene, results from an A to G substitution at nucleotide position 965. The aspartic acid at codon 322 is replaced by glycine, an amino acid with similar properties. This amino acid position is conserved. In addition, this alteration is predicted to be tolerated by in silico analysis. Based on the available evidence, the clinical significance of this variant remains unclear.